The following is an entry in ClinVar:

NM_005733.3(KIF20A):c.2056A>C (p.Thr686Pro)

Gene: KIF20A (kinesin family member 20A; plus strand). Cytogenetic location: 5q31.2.
Variant type: single nucleotide variant.
Coding change: c.2056A>C on transcript NM_005733.3 (MANE Select); coding-DNA position 2056, A replaced by C.
Protein change: p.Thr686Pro; replaces threonine 686 with proline.
Molecular consequence: missense variant.
Genome position (GRCh38, 1-based): chr5:138,185,641, A>C. VCF-style: chr5-138185641-A-C. GRCh37 (hg19) VCF-style: chr5-137521330-A-C.
Other names: short protein forms T686P.
Identifiers: ClinVar variation 1953428 (VCV001953428.5), dbSNP rs1581479679, ClinGen allele CA361118207.

ClinVar aggregate classification (germline): Uncertain significance (1 of 4 stars; one submission).

Allele frequency attached by ClinVar (database versions not stated): gnomAD 0.00001; TOPMed 0.00001.
gnomAD v4.1: 1 of 1,614,040 alleles (0.000062%); highest among the groups gnomAD compares: Admixed American, 0.0017%; no homozygotes.

Submission:

Labcorp Genetics (formerly Invitae), Labcorp
Classification: Uncertain significance. Last evaluated: 2022-03-02. Review status: criteria provided, single submitter. Criteria: Invitae Variant Classification Sherloc (09022015). Collection method: clinical testing. Allele origin: germline.
Comment: In summary, the available evidence is currently insufficient to determine the role of this variant in disease. Therefore, it has been classified as a Variant of Uncertain Significance. Algorithms developed to predict the effect of missense changes on protein structure and function are either unavailable or do not agree on the potential impact of this missense change (SIFT: "Deleterious"; PolyPhen-2: "Benign"; Align-GVGD: "Class C0"). This variant has not been reported in the literature in individuals affected with KIF20A-related conditions. This variant is not present in population databases (gnomAD no frequency). This sequence change replaces threonine, which is neutral and polar, with proline, which is neutral and non-polar, at codon 686 of the KIF20A protein (p.Thr686Pro).